The following is an entry in ClinVar:

NM_001010867.4(IBA57):c.390C>G (p.Ser130Arg)

Gene: IBA57 (iron-sulfur cluster assembly factor IBA57; plus strand). Cytogenetic location: 1q42.13.
Variant type: single nucleotide variant.
Coding change: c.390C>G on transcript NM_001010867.4 (MANE Select); coding-DNA position 390, C replaced by G.
Protein change: p.Ser130Arg; replaces serine 130 with arginine.
Molecular consequence: missense variant. On other transcripts: 5 prime UTR variant (1).
Genome position (GRCh38, 1-based): chr1:228,174,740, C>G. VCF-style: chr1-228174740-C-G. GRCh37 (hg19) VCF-style: chr1-228362441-C-G.
Other names: c.-190C>G (NM_001310327.2); short protein forms S130R.
Identifiers: ClinVar variation 2039734 (VCV002039734.4), dbSNP rs770665164, ClinGen allele CA1431135.
Genomic context (GRCh38, chr1:228,174,740, plus strand): 5'-CTCTCCCTGCAGGCTCCAGGAACACTCGGAGGTGTCTGGCTTCCTTCTGGAGTGTGACAG[C>G]TCGGTGCAGGGCGCGCTGCAGAAGCACCTCGCGCTATACAGGATCCGGCGGAAGGTCACG-3'
Protein context (NP_001010867.1, residues 120-140): EVSGFLLECD[Ser130Arg]SVQGALQKHL

ClinVar aggregate classification (germline): Uncertain significance (1 of 4 stars; one submission).

Conditions:
Multiple mitochondrial dysfunctions syndrome 3 (MMDS3). Identifiers: Orphanet 363424, MedGen C3809165, MONDO:0014132, OMIM 615330.
Hereditary spastic paraplegia 74. Also called: Spastic paraplegia 74, autosomal recessive. Identifiers: Orphanet 468661, MedGen C5568837, MONDO:0014644, OMIM 616451.

Allele frequency attached by ClinVar (database versions not stated): gnomAD 0.00001; gnomAD exomes 0.00001; TOPMed 0.00002.
gnomAD v4.1: 21 of 1,590,874 alleles (0.0013%); highest among the groups gnomAD compares: Non-Finnish European, 0.0018%; no homozygotes.

Submission:

Labcorp Genetics (formerly Invitae), Labcorp
Classification: Uncertain significance for Multiple mitochondrial dysfunctions syndrome 3; Hereditary spastic paraplegia 74. Last evaluated: 2025-08-23. Review status: criteria provided, single submitter. Criteria: Invitae Variant Classification Sherloc (09022015). Collection method: clinical testing. Allele origin: germline.
Comment: This sequence change replaces serine, which is neutral and polar, with arginine, which is basic and polar, at codon 130 of the IBA57 protein (p.Ser130Arg). The frequency data for this variant in the population databases is considered unreliable, as metrics indicate poor data quality at this position in the gnomAD database. This variant has not been reported in the literature in individuals affected with IBA57-related conditions. ClinVar contains an entry for this variant (Variation ID: 2039734). Invitae Evidence Modeling of protein sequence and biophysical properties (such as structural, functional, and spatial information, amino acid conservation, physicochemical variation, residue mobility, and thermodynamic stability) indicates that this missense variant is not expected to disrupt IBA57 protein function with a negative predictive value of 80%. In summary, the available evidence is currently insufficient to determine the role of this variant in disease. Therefore, it has been classified as a Variant of Uncertain Significance.